The following is an entry in ClinVar:

ClinVar aggregate classification (germline): Conflicting classifications of pathogenicity. Review status: criteria provided, conflicting classifications (1 of 4 stars). 8 submissions from 7 submitters: Uncertain significance (2); Benign (1); Likely benign (5). Last evaluated 2026-05-12.

Conditions:
Connective tissue disorder. Also called: Connective tissue disease. Identifiers: MedGen C0009782, MONDO:0003900.
Fibrochondrogenesis 1 (FBCG1). Identifiers: Orphanet 2021, MedGen C3278138, MONDO:0009226, OMIM 228520.
Stickler syndrome type 2 (STL2). Also called: STICKLER SYNDROME, TYPE II; COL11A1-Related Stickler Syndrome; STICKLER SYNDROME, BEADED VITREOUS TYPE; STICKLER SYNDROME, VITREOUS TYPE 2. Identifiers: Orphanet 828, Orphanet 90654, MedGen C1858084, MONDO:0011493, OMIM 604841.

Allele frequency attached by ClinVar (database versions not stated): gnomAD exomes 0.00024 and 0.00011; TOPMed 0.00024; gnomAD 0.00025 and 0.00024; ESP Exome Variant Server 0.00015; 1000 Genomes Project 30x 0.00016; 1000 Genomes Project 0.00020; ExAC 0.00021.
gnomAD v4.1: 213 of 1,608,172 alleles (0.013%); highest among the groups gnomAD compares: Admixed American, 0.042%; 2 homozygotes.

Submissions (8):

Women's Health and Genetics/Laboratory Corporation of America, LabCorp
Classification: Likely benign. Last evaluated: 2026-05-12. Review status: criteria provided, single submitter. Criteria: LabCorp Variant Classification Summary - May 2015. Collection method: clinical testing. Allele origin: germline.

Labcorp Genetics (formerly Invitae), Labcorp
Classification: Benign. Last evaluated: 2026-01-27. Review status: criteria provided, single submitter. Criteria: Invitae Variant Classification Sherloc (09022015). Collection method: clinical testing. Allele origin: germline.

Blueprint Genetics
Classification: Likely benign. Last evaluated: 2024-08-08. Review status: criteria provided, single submitter. Criteria: ACMG Guidelines, 2015. Collection method: clinical testing. Allele origin: germline.

ARUP Laboratories, Molecular Genetics and Genomics, ARUP Laboratories
Classification: Likely benign. Last evaluated: 2023-09-18. Review status: criteria provided, single submitter. Criteria: ARUP Molecular Germline Variant Investigation Process 2024. Collection method: clinical testing. Allele origin: germline.

GeneDx
Classification: Likely benign. Last evaluated: 2018-02-12. Review status: criteria provided, single submitter. Criteria: GeneDx Variant Classification (06012015). Collection method: clinical testing. Allele origin: germline. Affected: yes.
Comment: This variant is considered likely benign or benign based on one or more of the following criteria: it is a conservative change, it occurs at a poorly conserved position in the protein, it is predicted to be benign by multiple in silico algorithms, and/or has population frequency not consistent with disease.

Illumina Laboratory Services, Illumina
Classification: Uncertain significance for Fibrochondrogenesis 1. Last evaluated: 2018-01-13. Review status: criteria provided, single submitter. Criteria: ICSL Variant Classification Criteria 13 December 2019. Collection method: clinical testing. Allele origin: germline.

Illumina Laboratory Services, Illumina
Classification: Uncertain significance for Stickler syndrome type 2. Last evaluated: 2018-01-13. Review status: criteria provided, single submitter. Criteria: ICSL Variant Classification Criteria 13 December 2019. Collection method: clinical testing. Allele origin: germline.

Center for Human Genetics, Inc
Classification: Likely benign for Connective tissue disorder. Last evaluated: 2016-11-01. Review status: criteria provided, single submitter. Criteria: ACMG Guidelines, 2015. Collection method: clinical testing. Allele origin: germline. Affected: yes.

NM_001854.4(COL11A1):c.898-15T>C

Gene: COL11A1 (collagen type XI alpha 1 chain; minus strand). Cytogenetic location: 1p21.1.
Variant type: single nucleotide variant.
Coding change: c.898-15T>C on transcript NM_001854.4 (MANE Select); 15 bases into the intron before coding-DNA position 898, T replaced by C.
Molecular consequence: intron variant.
Genome position (GRCh38, 1-based): chr1:103,025,628, A>G on the plus strand (T>C on the coding strand, the complement: COL11A1 is on the minus strand). VCF-style: chr1-103025628-A-G. GRCh37 (hg19) VCF-style: chr1-103491184-A-G.
Other names: c.781-15T>C (NM_001190709.2); c.934-15T>C (NM_080629.3); c.897+588T>C (NM_080630.4).
Identifiers: ClinVar variation 291541 (VCV000291541.15), dbSNP rs200242905, ClinGen allele CA975201.